The following is an entry in ClinVar:

NC_000015.9:g.(?_28090085)_(28200381_?)del

Gene: OCA2 (OCA2 melanosomal transmembrane protein; minus strand). Cytogenetic location: 15q12-13.1.
Variant type: Deletion.
Identifiers: ClinVar variation 3243842 (VCV003243842.1).

ClinVar aggregate classification (germline): Pathogenic (1 of 4 stars; one submission).

Submission:

Labcorp Genetics (formerly Invitae), Labcorp
Classification: Pathogenic. Last evaluated: 2023-05-15. Review status: criteria provided, single submitter. Criteria: Invitae Variant Classification Sherloc (09022015). Collection method: clinical testing. Allele origin: unknown.
Comment: For these reasons, this variant has been classified as Pathogenic. This variant disrupts a region of the OCA2 protein in which other variant(s) (p.Phe809Ile) have been determined to be pathogenic (PMID: 29345414; Invitae). This suggests that this is a clinically significant region of the protein, and that variants that disrupt it are likely to be disease-causing. This variant has not been reported in the literature in individuals affected with OCA2-related conditions. This variant is a gross deletion of the genomic region encompassing exon(s) 17-23 of the OCA2 gene. This variant would be expected to be in-frame, preserving the integrity of the reading frame.

Literature cited by the submitters: PubMed 29345414.